The following is an entry in ClinVar:

ClinVar aggregate classification (germline): Conflicting classifications of pathogenicity. Review status: criteria provided, conflicting classifications (1 of 4 stars). 2 submissions from 2 submitters: Uncertain significance (1); Likely benign (1). Last evaluated 2018-06-16.

Conditions:
Autosomal recessive nonsyndromic hearing loss 9. Also called: Deafness, autosomal recessive 9; NEUROSENSORY NONSYNDROMIC RECESSIVE DEAFNESS 9; OTOF-Related Hearing Loss; AUDITORY NEUROPATHY, AUTOSOMAL RECESSIVE, 1, TEMPERATURE-SENSITIVE. Identifiers: Orphanet 90636, MedGen C1832828, MONDO:0010986, OMIM 601071.

Allele frequency attached by ClinVar (database versions not stated): gnomAD exomes 0.00129; gnomAD 0.01213 and 0.01288; 1000 Genomes Project 0.01318; TOPMed 0.01353; 1000 Genomes Project 30x 0.01452.
gnomAD v4.1: 2,852 of 904,824 alleles (0.32%); highest among the groups gnomAD compares: African/African-American, 4.1%; 61 homozygotes.

Submissions (2):

GeneDx
Classification: Likely benign. Last evaluated: 2018-06-16. Review status: criteria provided, single submitter. Criteria: GeneDx Variant Classification (06012015). Collection method: clinical testing. Allele origin: germline. Affected: yes.
Comment: This variant is considered likely benign or benign based on one or more of the following criteria: it is a conservative change, it occurs at a poorly conserved position in the protein, it is predicted to be benign by multiple in silico algorithms, and/or has population frequency not consistent with disease.

Illumina Laboratory Services, Illumina
Classification: Uncertain significance for Autosomal recessive nonsyndromic hearing loss 9. Last evaluated: 2018-01-13. Review status: criteria provided, single submitter. Criteria: ICSL Variant Classification Criteria 13 December 2019. Collection method: clinical testing. Allele origin: germline.

NM_194248.3(OTOF):c.-113G>A

Gene: OTOF (otoferlin; minus strand). Cytogenetic location: 2p23.3.
Variant type: single nucleotide variant.
Coding change: c.-113G>A on transcript NM_194248.3 (MANE Select); 113 bases upstream of the start codon, G replaced by A.
Molecular consequence: 5 prime UTR variant.
Genome position (GRCh38, 1-based): chr2:26,558,684, C>T on the plus strand (G>A on the coding strand, the complement: OTOF is on the minus strand). VCF-style: chr2-26558684-C-T. GRCh37 (hg19) VCF-style: chr2-26781552-C-T.
Other names: c.-113G>A (NM_001287489.2).
Identifiers: ClinVar variation 335471 (VCV000335471.6), dbSNP rs79734645, ClinGen allele CA10614872.
Genomic context (GRCh38, chr2:26,558,684, plus strand): 5'-CCGGTGGAGCACGGCTCACACGCCTCTCTCTTCTCTGCCGCTGCCTCCTCCTCCTCCTCC[C>T]GACCCCCCTCCGATGCTGCCCACAGAGACCAAGGCAACCAAGCCGAGCTAAGCTGCTCCT-3'